The following is an entry in ClinVar:

NM_001130969.3(NSMF):c.165C>T (p.His55=)

Gene: NSMF (NMDA receptor synaptonuclear signaling and neuronal migration factor; minus strand). Cytogenetic location: 9q34.3.
Variant type: single nucleotide variant.
Coding change: c.165C>T on transcript NM_001130969.3 (MANE Select); coding-DNA position 165, C replaced by T.
Protein change: p.His55=; no amino-acid change (histidine 55 retained).
Molecular consequence: synonymous variant.
Genome position (GRCh38, 1-based): chr9:137,457,870, G>A on the plus strand (C>T on the coding strand, the complement: NSMF is on the minus strand). VCF-style: chr9-137457870-G-A. GRCh37 (hg19) VCF-style: chr9-140352322-G-A.
Other names: c.165C>T, p.His55= (NM_001130970.2, NM_001130971.2, NM_001178064.2 and 2 more transcripts).
Identifiers: ClinVar variation 3026059 (VCV003026059.22), dbSNP rs770992002, ClinGen allele CA5370589.

ClinVar aggregate classification (germline): Likely benign (1 of 4 stars; one submission).

Allele frequency attached by ClinVar (database versions not stated): TOPMed 0.00005; 1000 Genomes Project 30x 0.00031.
gnomAD v4.1: 159 of 1,548,180 alleles (0.01%); highest among the groups gnomAD compares: Non-Finnish European, 0.013%; no homozygotes.

Submission:

CeGaT Center for Human Genetics Tuebingen
Classification: Likely benign. Last evaluated: 2024-02-01. Review status: criteria provided, single submitter. Criteria: CeGaT Center For Human Genetics Tuebingen Variant Classification Criteria Version 2. Collection method: clinical testing. Allele origin: germline. Affected: yes. Observed: 1 variant allele.
Comment: NSMF: BP4, BP7